The following is an entry in ClinVar:

NM_000159.4(GCDH):c.860dup (p.Gly288fs)

Gene: GCDH (glutaryl-CoA dehydrogenase; plus strand). Cytogenetic location: 19p13.13.
Variant type: Duplication.
Coding change: c.860dup on transcript NM_000159.4 (MANE Select); coding-DNA position 860, one base duplicated (T; older notation c.860dupT).
Protein change: p.Gly288fs; shifts the reading frame from glycine 288.
Molecular consequence: frameshift variant. On other transcripts: non-coding transcript variant (2).
Genome position (GRCh38, 1-based): chr19:12,896,917, T duplicated; the last of 2 consecutive T bases (chr19:12,896,916-12,896,917); duplicating either gives the same sequence. VCF-style (leftmost placement, unchanged base first): chr19-12896915-C-CT. GRCh37 (hg19) VCF-style: chr19-13007729-C-CT.
Other names: c.860dup, p.Gly288fs (NM_013976.5); short protein forms G288fs.
Identifiers: ClinVar variation 950708 (VCV000950708.8), dbSNP rs1970693382, ClinGen allele CA1139666321.

ClinVar aggregate classification (germline): Pathogenic (1 of 4 stars; one submission).

Conditions:
Glutaric aciduria, type 1. Also called: Glutaricacidemia Type 1; Glutaryl-CoA dehydrogenase deficiency; Glutaric acidemia type I; Glutaricaciduria, type I; Glutaric Acidemia Type 1; GA I. Identifiers: Orphanet 25, MedGen C0268595, MONDO:0009281, OMIM 231670.

Submission:

Labcorp Genetics (formerly Invitae), Labcorp
Classification: Pathogenic for Glutaric aciduria, type 1. Last evaluated: 2019-07-19. Review status: criteria provided, single submitter. Criteria: Invitae Variant Classification Sherloc (09022015). Collection method: clinical testing. Allele origin: germline.
Comment: This variant has not been reported in the literature in individuals with GCDH-related conditions. Loss-of-function variants in GCDH are known to be pathogenic (PMID: 10699052, 11854167, 16602100). For these reasons, this variant has been classified as Pathogenic. This variant is not present in population databases (ExAC no frequency). This sequence change creates a premature translational stop signal (p.Gly288Argfs*55) in the GCDH gene. It is expected to result in an absent or disrupted protein product.

Literature cited by the submitters: PubMed 10699052; PubMed 11854167; PubMed 16602100.